The following is an entry in ClinVar:

NM_018124.4(RFWD3):c.814C>T (p.Pro272Ser)

Gene: RFWD3 (ring finger and WD repeat domain 3; minus strand). Cytogenetic location: 16q23.1.
Variant type: single nucleotide variant.
Coding change: c.814C>T on transcript NM_018124.4 (MANE Select); coding-DNA position 814, C replaced by T.
Protein change: p.Pro272Ser; replaces proline 272 with serine.
Molecular consequence: missense variant. On other transcripts: 5 prime UTR variant (5).
Genome position (GRCh38, 1-based): chr16:74,644,714, G>A on the plus strand (C>T on the coding strand, the complement: RFWD3 is on the minus strand). VCF-style: chr16-74644714-G-A. GRCh37 (hg19) VCF-style: chr16-74678612-G-A.
Other names: c.814C>T (NM_018124.3); c.814C>T, p.Pro272Ser (NM_001370534.1, NM_001370535.1, NM_001370536.1); c.-21C>T (NM_001370537.1, NM_001370539.1, NM_001370540.1 and 3 more transcripts); short protein forms P272S.
Identifiers: ClinVar variation 2017399 (VCV002017399.5), dbSNP rs780286619, ClinGen allele CA8169409.

ClinVar aggregate classification (germline): Uncertain significance. Review status: criteria provided, multiple submitters, no conflicts (2 of 4 stars). 2 submissions from 2 submitters: Uncertain significance (2). Last evaluated 2025-10-14.

Allele frequency attached by ClinVar (database versions not stated): ExAC 0.00002.
gnomAD v4.1: 4 of 1,613,970 alleles (0.00025%); highest among the groups gnomAD compares: Non-Finnish European, 0.00025%; no homozygotes.

Submissions (2):

Labcorp Genetics (formerly Invitae), Labcorp
Classification: Uncertain significance. Last evaluated: 2025-10-14. Review status: criteria provided, single submitter. Criteria: Invitae Variant Classification Sherloc (09022015). Collection method: clinical testing. Allele origin: germline.
Comment: This sequence change replaces proline, which is neutral and non-polar, with serine, which is neutral and polar, at codon 272 of the RFWD3 protein (p.Pro272Ser). This variant is present in population databases (rs780286619, gnomAD 0.0009%). This variant has not been reported in the literature in individuals affected with RFWD3-related conditions. ClinVar contains an entry for this variant (Variation ID: 2017399). An algorithm developed to predict the effect of missense changes on protein structure and function outputs the following: PolyPhen-2: "Benign". The serine amino acid residue is found in multiple mammalian species, which suggests that this missense change does not adversely affect protein function. In summary, the available evidence is currently insufficient to determine the role of this variant in disease. Therefore, it has been classified as a Variant of Uncertain Significance.

Ambry Genetics
Classification: Uncertain significance. Last evaluated: 2025-01-22. Review status: criteria provided, single submitter. Criteria: Ambry Variant Classification Scheme 2023. Collection method: clinical testing. Allele origin: germline.